The following is an entry in ClinVar:

NM_001174150.2(ARL13B):c.551A>G (p.Tyr184Cys)

Gene: ARL13B (ARF like GTPase 13B; plus strand). Cytogenetic location: 3q11.2.
Variant type: single nucleotide variant.
Coding change: c.551A>G on transcript NM_001174150.2 (MANE Select); coding-DNA position 551, A replaced by G.
Protein change: p.Tyr184Cys; replaces tyrosine 184 with cysteine.
Molecular consequence: missense variant. On other transcripts: non-coding transcript variant (2).
Genome position (GRCh38, 1-based): chr3:94,036,616, A>G. VCF-style: chr3-94036616-A-G. GRCh37 (hg19) VCF-style: chr3-93755460-A-G.
Other names: c.242A>G, p.Tyr81Cys (NM_001174151.2); c.506A>G, p.Tyr169Cys (NM_001321328.2); c.230A>G, p.Tyr77Cys (NM_144996.4); c.551A>G, p.Tyr184Cys (NM_182896.3); short protein forms Y77C, Y184C, Y169C, Y81C.
Identifiers: ClinVar variation 970471 (VCV000970471.7), dbSNP rs773654634, ClinGen allele CA2504093.

ClinVar aggregate classification (germline): Uncertain significance. Review status: criteria provided, multiple submitters, no conflicts (2 of 4 stars). 2 submissions from 2 submitters: Uncertain significance (2). Last evaluated 2024-05-03.

Conditions:
Joubert syndrome 8 (JBTS8). Identifiers: Orphanet 475, MedGen C2676771, MONDO:0012855, OMIM 612291.

Allele frequency attached by ClinVar (database versions not stated): ExAC 0.00001; gnomAD 0.00001; gnomAD exomes 0.00001; TOPMed 0.00001.
gnomAD v4.1: 14 of 1,614,000 alleles (0.00087%); highest among the groups gnomAD compares: African/African-American, 0.0013%; no homozygotes.

Submissions (2):

Fulgent Genetics
Classification: Uncertain significance for Joubert syndrome 8. Last evaluated: 2024-05-03. Review status: criteria provided, single submitter. Criteria: ACMG Guidelines, 2015. Collection method: clinical testing. Allele origin: germline.

Labcorp Genetics (formerly Invitae), Labcorp
Classification: Uncertain significance for Joubert syndrome 8. Last evaluated: 2023-08-04. Review status: criteria provided, single submitter. Criteria: Invitae Variant Classification Sherloc (09022015). Collection method: clinical testing. Allele origin: germline.
Comment: This sequence change replaces tyrosine, which is neutral and polar, with cysteine, which is neutral and slightly polar, at codon 184 of the ARL13B protein (p.Tyr184Cys). This variant is present in population databases (rs773654634, gnomAD no frequency). This variant has not been reported in the literature in individuals affected with ARL13B-related conditions. ClinVar contains an entry for this variant (Variation ID: 970471). Advanced modeling of protein sequence and biophysical properties (such as structural, functional, and spatial information, amino acid conservation, physicochemical variation, residue mobility, and thermodynamic stability) performed at Invitae indicates that this missense variant is not expected to disrupt ARL13B protein function. In summary, the available evidence is currently insufficient to determine the role of this variant in disease. Therefore, it has been classified as a Variant of Uncertain Significance.